The following is an entry in ClinVar:

GRCh38/hg38 5p13.2(chr5:36834830-36906334)x1

Genes: NIPBL (NIPBL cohesin loading factor; plus strand), NIPBL-DT (NIPBL divergent transcript; minus strand), LOC129993810 (ATAC-STARR-seq lymphoblastoid active region 22484; plus strand), LOC129993811 (ATAC-STARR-seq lymphoblastoid silent region 15975; plus strand), LOC129993812 (ATAC-STARR-seq lymphoblastoid silent region 15976; plus strand). Cytogenetic location: 5p13.2.
Variant type: copy number loss.
Change: copy number 1 (one copy instead of two) of chr5:36,834,830-36,906,334 (71.5 kb, GRCh38 coordinates, 1-based), cytogenetic band 5p13.2.
Identifiers: ClinVar variation 59607 (VCV000059607.1).

ClinVar aggregate classification (germline): Pathogenic (1 of 4 stars; one submission).

Submission:

ISCA site 14
Classification: Pathogenic. Last evaluated: 2011-08-12. Review status: criteria provided, single submitter. Criteria: Kaminsky et al. (Genet Med. 2011). Collection method: clinical testing. Allele origin: unknown. Affected: yes. Observed: 1 variant allele.
Comment: Copy number variation identified through the course of routine clinical cytogenomic testing in postnatal populations. Clinical assertions have been curated as described in Kaminsky et al. 2011.